The following is an entry in ClinVar:

ClinVar aggregate classification (germline): Pathogenic. Review status: criteria provided, single submitter (1 of 4 stars). 2 submissions from 2 submitters: Pathogenic (1). 1 of the submissions does not count toward it. Last evaluated 2020-12-22.

Conditions:
Short stature. Identifiers: MedGen C0349588, HP:0004322.
Microcephaly. Also called: Microcephaly (disease). Identifiers: MedGen C4551563, MONDO:0001149, HP:0000252.

Submissions (2):

Department of Molecular Cytogenetics, Toyko Medical and Dental University
Classification: Pathogenic for Microcephaly; Short stature. Last evaluated: 2020-12-22. Review status: criteria provided, single submitter. Criteria: ACMG Guidelines, 2015. Collection method: research. Allele origin: de novo, not applicable. Inheritance: Autosomal dominant inheritance. Affected: yes. Observed: 1 heterozygote.
Comment: This variant occurred de novo and was predicted to be deleterious by several in silico tools. The variant is also absent from exome/genome databases including ethnically matched individuals. Functional studies revealed decreased levels of the protein and of its binding partner, NDC80. The decreased levels of both proteins led to an increase in the formation of micronuclei, abnormal spindle, aneuploidy and delayed cell growth in patient-derived lymphoblastoid cell lines. Based on the ACMG guidelines (2015), this variant meets the following criteria: PS2 (de novo with both maternity and paternity confirmed), PS3 (in vitro functional studies supportive of a damaging effect on the protein), PM2 (absent from controls) and PP3 (multiple lines of computational evidence support a deleterious effect on the gene or gene product). The combined criteria allowed the classification of the variant as pathogenic.

OMIM
Classification: Uncertain significance for VARIANT OF UNKNOWN SIGNIFICANCE. Last evaluated: 2021-07-28. Review status: no assertion criteria provided. Collection method: literature only. Allele origin: germline. Not counted in ClinVar's aggregate classification.

Literature cited by the submitters: PubMed 33721060 (cited by OMIM).

NM_145697.3(NUF2):c.371T>G (p.Ile124Ser)

Gene: NUF2 (NUF2 component of NDC80 kinetochore complex; plus strand). Cytogenetic location: 1q23.3.
Variant type: single nucleotide variant.
Coding change: c.371T>G on transcript NM_145697.3 (MANE Select); coding-DNA position 371, T replaced by G.
Protein change: p.Ile124Ser; replaces isoleucine 124 with serine.
Molecular consequence: missense variant.
Genome position (GRCh38, 1-based): chr1:163,336,784, T>G. VCF-style: chr1-163336784-T-G. GRCh37 (hg19) VCF-style: chr1-163306574-T-G.
Other names: c.371T>G, p.Ile124Ser (NM_031423.4); short protein forms I124S.
Identifiers: ClinVar variation 992629 (VCV000992629.5), dbSNP rs1650773164, ClinGen allele CA343418047.